The following is an entry in ClinVar:

NM_173660.5(DOK7):c.772+2_772+4delinsCCGGGCAGGCGGGCA

Genes: DOK7 (docking protein 7; plus strand), LOC129992118 (ATAC-STARR-seq lymphoblastoid silent region 15206; plus strand). Cytogenetic location: 4p16.3.
Variant type: Indel.
Coding change: c.772+2_772+4delinsCCGGGCAGGCGGGCA on transcript NM_173660.5 (MANE Select); the canonical splice donor site of the intron after coding-DNA position 772 through 4 bases into the intron after coding-DNA position 772, TAG replaced by CCGGGCAGGCGGGCA.
Molecular consequence: splice donor variant.
Genome position (GRCh38, 1-based): chr4:3,489,798-3,489,800, TAG replaced by CCGGGCAGGCGGGCA. VCF-style: chr4-3489798-TAG-CCGGGCAGGCGGGCA. GRCh37 (hg19) VCF-style: chr4-3491525-TAG-CCGGGCAGGCGGGCA.
Other names: c.772+2_772+4delinsCCGGGCAGGCGGGCA (NM_001301071.2); c.340+2_340+4delinsCCGGGCAGGCGGGCA (NM_001363811.2); c.761+2_761+4delinsCCGGGCAGGCGGGCA (NM_001164673.2); c.-159+2_-159+4delinsCCGGGCAGGCGGGCA (NM_001256896.2).
Identifiers: ClinVar variation 3763069 (VCV003763069.2).

ClinVar aggregate classification (germline): Pathogenic (1 of 4 stars; one submission).

Conditions:
Fetal akinesia deformation sequence 1 (FADS1). Also called: Fetal akinesia sequence; Pena-Shokeir syndrome type I. Identifiers: Orphanet 994, MedGen C1276035, MONDO:0100101, OMIM 208150, HP:0001989.
Congenital myasthenic syndrome 10. Also called: Myasthenia, limb-girdle, familial. Identifiers: Orphanet 590, MedGen C1850792, MONDO:0009690, OMIM 254300.

Submission:

Labcorp Genetics (formerly Invitae), Labcorp
Classification: Pathogenic for Congenital myasthenic syndrome 10; Fetal akinesia deformation sequence 1. Last evaluated: 2024-12-09. Review status: criteria provided, single submitter. Criteria: Invitae Variant Classification Sherloc (09022015). Collection method: clinical testing. Allele origin: germline.
Comment: This sequence change affects a donor splice site in intron 6 of the DOK7 gene. While this variant is not anticipated to result in nonsense mediated decay, it likely alters RNA splicing and results in a disrupted protein product. Disruption of this splice site has been observed in individual(s) with autosomal recessive myasthenia gravis (PMID: 26583494). In at least one individual the data is consistent with being in trans (on the opposite chromosome) from a pathogenic variant. Variants that disrupt the consensus splice site are a relatively common cause of aberrant splicing (PMID: 17576681, 9536098). This variant disrupts a region of the DOK7 protein in which other variant(s) (p.Pro486Argfs*15) have been determined to be pathogenic (PMID: 29118959). This suggests that this is a clinically significant region of the protein, and that variants that disrupt it are likely to be disease-causing. For these reasons, this variant has been classified as Pathogenic.

Literature cited by the submitters: PubMed 26583494; PubMed 17576681; PubMed 9536098; PubMed 29118959.